The following is an entry in ClinVar:

NM_170606.3(KMT2C):c.6335C>T (p.Pro2112Leu)

Gene: KMT2C (lysine methyltransferase 2C; minus strand). Cytogenetic location: 7q36.1.
Variant type: single nucleotide variant.
Coding change: c.6335C>T on transcript NM_170606.3 (MANE Select); coding-DNA position 6335, C replaced by T.
Protein change: p.Pro2112Leu; replaces proline 2112 with leucine.
Molecular consequence: missense variant.
Genome position (GRCh38, 1-based): chr7:152,181,525, G>A on the plus strand (C>T on the coding strand, the complement: KMT2C is on the minus strand). VCF-style: chr7-152181525-G-A. GRCh37 (hg19) VCF-style: chr7-151878610-G-A.
Other names: short protein forms P2112L.
Identifiers: ClinVar variation 2658216 (VCV002658216.24), dbSNP rs2487797096, ClinGen allele CA370095161.

ClinVar aggregate classification (germline): Uncertain significance (1 of 4 stars; one submission).

Submission:

CeGaT Center for Human Genetics Tuebingen
Classification: Uncertain significance. Last evaluated: 2023-01-01. Review status: criteria provided, single submitter. Criteria: CeGaT Center For Human Genetics Tuebingen Variant Classification Criteria Version 2. Collection method: clinical testing. Allele origin: germline. Affected: yes. Observed: 1 variant allele.
Comment: KMT2C: PM2